The following is an entry in ClinVar:

NM_001103.4(ACTN2):c.2557_2569del (p.Glu853fs)

Gene: ACTN2 (actinin alpha 2; plus strand). Cytogenetic location: 1q43.
Variant type: Deletion.
Coding change: c.2557_2569del on transcript NM_001103.4 (MANE Select); coding-DNA positions 2557 to 2569, 13 bases deleted (GAGCTGCCCCCGG).
Protein change: p.Glu853fs; shifts the reading frame from glutamic acid 853.
Molecular consequence: frameshift variant.
Genome position (GRCh38, 1-based): chr1:236,762,491-236,762,503, GAGCTGCCCCCGG deleted; deleting any 13 consecutive bases within chr1:236,762,488-236,762,503 gives the same sequence; the c. name uses the placement nearest the transcript's 3' end. VCF-style (leftmost placement, unchanged base first): chr1-236762487-TCGGGAGCTGCCCC-T. GRCh37 (hg19) VCF-style: chr1-236925787-TCGGGAGCTGCCCC-T.
Other names: c.2557_2569del (NM_001103.3); c.2557_2569del, p.Glu853fs (NM_001278343.2); c.1933_1945del, p.Glu645fs (NM_001278344.2); c.1807_1819delGAGCTGCCCCCGG, p.Glu603Ilefs (NM_001412150.1); short protein forms E645fs, E853fs.
Identifiers: ClinVar variation 1995953 (VCV001995953.7), dbSNP rs2527669691, ClinGen allele CA2580062374.

ClinVar aggregate classification (germline): Uncertain significance. Review status: criteria provided, multiple submitters, no conflicts (2 of 4 stars). 2 submissions from 2 submitters: Uncertain significance (2). Last evaluated 2022-05-18.

Conditions:
Primary familial hypertrophic cardiomyopathy (HCM). Identifiers: Orphanet 99739, MedGen C0949658, MeSH D024741, MONDO:0024573. Inheritance: Various modes of inheritance.
Dilated cardiomyopathy 1AA (CMD1AA). Also called: Cardiomyopathy, dilated, 1AA, with or without LVNC; CARDIOMYOPATHY, DILATED, 1AA, WITH OR WITHOUT LEFT VENTRICULAR NONCOMPACTION; CARDIOMYOPATHY, FAMILIAL HYPERTROPHIC, 23, WITH OR WITHOUT LEFT VENTRICULAR NONCOMPACTION. Identifiers: Orphanet 154, MedGen C2677338, MONDO:0012808, OMIM 612158.

Submissions (2):

Labcorp Genetics (formerly Invitae), Labcorp
Classification: Uncertain significance for Primary familial hypertrophic cardiomyopathy; Dilated cardiomyopathy 1AA. Last evaluated: 2022-05-18. Review status: criteria provided, single submitter. Criteria: Invitae Variant Classification Sherloc (09022015). Collection method: clinical testing. Allele origin: germline.
Comment: This sequence change results in a frameshift in the ACTN2 gene (p.Glu853Ilefs*44). While this is not anticipated to result in nonsense mediated decay, it is expected to disrupt the last 42 amino acid(s) of the ACTN2 protein and extend the protein by 1 additional amino acid residues. This variant is not present in population databases (gnomAD no frequency). This variant has not been reported in the literature in individuals affected with ACTN2-related conditions. Experimental studies and prediction algorithms are not available or were not evaluated, and the functional significance of this variant is currently unknown. In summary, the available evidence is currently insufficient to determine the role of this variant in disease. Therefore, it has been classified as a Variant of Uncertain Significance.

Revvity Omics, Revvity
Classification: Uncertain significance. Last evaluated: 2021-03-26. Review status: criteria provided, single submitter. Criteria: ACMG Guidelines, 2015. Collection method: clinical testing. Allele origin: germline.